The following is an entry in ClinVar:

ClinVar aggregate classification (germline): Uncertain significance. Review status: criteria provided, multiple submitters, no conflicts (2 of 4 stars). 3 submissions from 3 submitters: Uncertain significance (3). Last evaluated 2026-01-10.

Conditions:
Endometrial carcinoma. Also called: Endometrial carcinoma, somatic. Identifiers: MedGen C0476089, MONDO:0002447, OMIM 608089, HP:0012114.
Colorectal cancer, hereditary nonpolyposis, type 7. Identifiers: Orphanet 144, MedGen C1858380, MONDO:0013725, OMIM 614385.
Colorectal cancer. Also called: Colorectal cancer, somatic; Malignant Colorectal Neoplasm. Identifiers: MedGen C0346629, MONDO:0005575, OMIM 114500.

Allele frequency attached by ClinVar (database versions not stated): TOPMed 0.00001; gnomAD 0.00002 and 0.00003.
gnomAD v4.1: 12 of 1,614,078 alleles (0.00074%); highest among the groups gnomAD compares: Admixed American, 0.005%; no homozygotes.

Submissions (3):

Labcorp Genetics (formerly Invitae), Labcorp
Classification: Uncertain significance for Colorectal cancer, hereditary nonpolyposis, type 7. Last evaluated: 2026-01-10. Review status: criteria provided, single submitter. Criteria: Invitae Variant Classification Sherloc (09022015). Collection method: clinical testing. Allele origin: germline.
Comment: This sequence change replaces valine, which is neutral and non-polar, with alanine, which is neutral and non-polar, at codon 148 of the MLH3 protein (p.Val148Ala). This variant is present in population databases (no rsID available, gnomAD no frequency). This variant has not been reported in the literature in individuals affected with MLH3-related conditions. ClinVar contains an entry for this variant (Variation ID: 660075). An algorithm developed to predict the effect of missense changes on protein structure and function outputs the following: PolyPhen-2: "Possibly Damaging". The alanine amino acid residue is found in multiple mammalian species, which suggests that this missense change does not adversely affect protein function. In summary, the available evidence is currently insufficient to determine the role of this variant in disease. Therefore, it has been classified as a Variant of Uncertain Significance.

Ambry Genetics
Classification: Uncertain significance. Last evaluated: 2025-10-16. Review status: criteria provided, single submitter. Criteria: Ambry Variant Classification Scheme 2023. Collection method: clinical testing. Allele origin: germline.
Comment: The p.V148A variant (also known as c.443T>C), located in coding exon 1 of the MLH3 gene, results from a T to C substitution at nucleotide position 443. The valine at codon 148 is replaced by alanine, an amino acid with similar properties. This amino acid position is conserved. In addition, the in silico prediction for this alteration is inconclusive. Since supporting evidence is limited at this time, the clinical significance of this alteration remains unclear.

Fulgent Genetics
Classification: Uncertain significance for Colorectal cancer; Endometrial carcinoma; Colorectal cancer, hereditary nonpolyposis, type 7. Last evaluated: 2022-02-21. Review status: criteria provided, single submitter. Criteria: ACMG Guidelines, 2015. Collection method: clinical testing. Allele origin: unknown.

NM_001040108.2(MLH3):c.443T>C (p.Val148Ala)

Gene: MLH3 (mutL homolog 3; minus strand). Cytogenetic location: 14q24.3.
Variant type: single nucleotide variant.
Coding change: c.443T>C on transcript NM_001040108.2 (MANE Select); coding-DNA position 443, T replaced by C.
Protein change: p.Val148Ala; replaces valine 148 with alanine.
Molecular consequence: missense variant.
Genome position (GRCh38, 1-based): chr14:75,049,213, A>G on the plus strand (T>C on the coding strand, the complement: MLH3 is on the minus strand). VCF-style: chr14-75049213-A-G. GRCh37 (hg19) VCF-style: chr14-75515916-A-G.
Other names: c.443T>C, p.Val148Ala (NM_014381.3); short protein forms V148A.
Identifiers: ClinVar variation 660075 (VCV000660075.14), dbSNP rs1484161045, ClinGen allele CA390450263.